The following is an entry in ClinVar:

ClinVar aggregate classification (germline): Uncertain significance. Review status: criteria provided, multiple submitters, no conflicts (2 of 4 stars). 2 submissions from 2 submitters: Uncertain significance (2). Last evaluated 2024-10-10.

gnomAD v4.1: 32 of 1,613,938 alleles (0.002%); highest among the groups gnomAD compares: Non-Finnish European, 0.0026%; no homozygotes.

Submissions (2):

GeneDx
Classification: Uncertain significance. Last evaluated: 2024-10-10. Review status: criteria provided, single submitter. Criteria: GeneDx Variant Classification Process June 2021. Collection method: clinical testing. Allele origin: germline. Affected: yes.
Comment: Not observed at significant frequency in large population cohorts (gnomAD); In silico analysis supports that this missense variant has a deleterious effect on protein structure/function; Has not been previously published as pathogenic or benign to our knowledge

Blueprint Genetics
Classification: Uncertain significance. Last evaluated: 2024-05-28. Review status: criteria provided, single submitter. Criteria: ACMG Guidelines, 2015. Collection method: clinical testing. Allele origin: germline.

NM_006586.5(CNPY3):c.446A>G (p.Tyr149Cys)

Genes: CNPY3 (canopy FGF signaling regulator 3; plus strand), CNPY3-GNMT (CNPY3-GNMT readthrough; plus strand). Cytogenetic location: 6p21.1.
Variant type: single nucleotide variant.
Coding change: c.446A>G on transcript NM_006586.5 (MANE Select); coding-DNA position 446, A replaced by G.
Protein change: p.Tyr149Cys; replaces tyrosine 149 with cysteine.
Molecular consequence: missense variant. On other transcripts: non-coding transcript variant (3), intron variant (3).
Genome position (GRCh38, 1-based): chr6:42,937,790, A>G. VCF-style: chr6-42937790-A-G. GRCh37 (hg19) VCF-style: chr6-42905528-A-G.
Other names: c.545A>G, p.Tyr182Cys (NM_001318842.1); c.179A>G, p.Tyr60Cys (NM_001318845.1); c.8+8069A>G (NM_001318856.2); c.151+8069A>G (NM_001318857.2, NM_001318858.2); short protein forms Y149C, Y182C, Y60C.
Identifiers: ClinVar variation 3777449 (VCV003777449.2).